The following is an entry in ClinVar:

NM_001089.3(ABCA3):c.838C>T (p.Arg280Cys)

Gene: ABCA3 (ATP binding cassette subfamily A member 3; minus strand). Cytogenetic location: 16p13.3.
Variant type: single nucleotide variant.
Coding change: c.838C>T on transcript NM_001089.3 (MANE Select); coding-DNA position 838, C replaced by T.
Protein change: p.Arg280Cys; replaces arginine 280 with cysteine.
Molecular consequence: missense variant.
Genome position (GRCh38, 1-based): chr16:2,319,616, G>A on the plus strand (C>T on the coding strand, the complement: ABCA3 is on the minus strand). VCF-style: chr16-2319616-G-A. GRCh37 (hg19) VCF-style: chr16-2369617-G-A.
Other names: p.Arg280Cys; short protein forms R280C.
Identifiers: ClinVar variation 318566 (VCV000318566.25), dbSNP rs201299260, ClinGen allele CA7841504.
Genomic context (GRCh38, chr16:2,319,616, plus strand): 5'-TTGGGGAGCCAAAGCGGGCAGTCACCTTCAGCCTCCTTTCCTTCTCCTGCACGACAGCAC[G>A]GGCAATGGTGAGCGCGGTGTAGGTGAAGCTGAGCAGCAGCAGCAGGGGCAGCTGGTACTG-3'
Protein context (NP_001080.2, residues 270-290): SFTYTALTIA[Arg280Cys]AVVQEKERRL

ClinVar aggregate classification (germline): Conflicting classifications of pathogenicity. Review status: criteria provided, conflicting classifications (1 of 4 stars). 10 submissions from 10 submitters: Pathogenic (1); Likely pathogenic (6); Uncertain significance (3). Last evaluated 2026-05-04.

Conditions:
ABCA3-related disorder. Also called: ABCA3-related condition.
Hereditary pulmonary alveolar proteinosis. Also called: Pulmonary surfactant metabolism dysfunction. Identifiers: Orphanet 264675, MedGen C3711368, MONDO:0012580.
Interstitial lung disease due to ABCA3 deficiency. Also called: PULMONARY ALVEOLAR PROTEINOSIS, CONGENITAL, 3. Identifiers: Orphanet 440402, MedGen C1970456, MONDO:0012582, OMIM 610921.

Allele frequency attached by ClinVar (database versions not stated): ExAC 0.00016; gnomAD 0.00017 and 0.00019; TOPMed 0.00021; ESP Exome Variant Server 0.00023.

Submissions 1 to 8 of 10:

Victorian Clinical Genetics Services, Murdoch Childrens Research Institute
Classification: Likely pathogenic for Interstitial lung disease due to ABCA3 deficiency. Last evaluated: 2026-05-04. Review status: criteria provided, single submitter. Criteria: ACMG Guidelines, 2015. Collection method: clinical testing. Allele origin: germline. Affected: yes.
Comment: This variant is classified as Likely pathogenic. Evidence in support of pathogenic classification: Variant is present in gnomAD <0.01 for a recessive condition (v4: 364 heterozygote(s), 0 homozygote(s)); This variant has strong previous evidence of pathogenicity in unrelated individuals. This variant has been classified as a VUS, likely pathogenic and pathogenic by clinical laboratories in ClinVar. It has been reported in the literature in multiple compound heterozygous individuals with interstitial lung disease (PMIDs: 24115460, 36370864, 37780198, 39457702, 38575158), and in one individual in which phasing of the variants was not known (PMID: 37175887). In addition, this variant has also been observed in cis with a nonsense variant p.(Gln1589*) in three individuals with respiratory failure; once as a homozygous allele, once in trans with another ABCA3 missense variant, and once as heterozygous (PMIDs: 25712598, 24871971); This variant has moderate functional evidence supporting abnormal protein function. This variant has been shown to be partially retained in the endoplasmic reticulum (ER), leading to ER stress and apoptosis (PMIDs: 21214890, 37108718); Missense variant predicted to be damaging by in silico tool(s) or highly conserved with a major amino acid change. Additional information: Variant is predicted to result in a missense amino acid change from Arg to Cys; This variant is heterozygous; This gene is associated with autosomal recessive disease; Alternative amino acid change(s) at the same position are present in gnomAD (highest allele count: v4: 1387 heterozygote(s), 2 homozygote(s)); Other missense variants comparable to the one identified in this case has conflicting previous evidence for pathogenicity. p. (Arg280Pro) has been classified as a VUS by a clinical laboratory in ClinVar. In addition, p.(Arg280His) has been classified as a VUS by multiple clinical laboratories in ClinVar, and as likely benign and likely pathogenic by one. This variant has been observed in the literature as compound heterozygous in an individual with severe respiratory distress syndrome, and another individual with lung disease (PMIDs: 33708521, 27516224). This variant has also been reported as heterozygous in an individual with idiopathic interstitial pneumonia (PMID: 20656946); Variant is located in the annotated ABC-2 family transporter protein domain (DECIPHER) - Loss of function is a known mechanism of disease in this gene and is associated with surfactant metabolism dysfunction, pulmonary, 3 (MIM#610921); Inheritance information for this variant is not currently available in this individual.

Dasa
Classification: Likely pathogenic. Last evaluated: 2025-12-29. Review status: criteria provided, single submitter. Criteria: DASA Assertion Criteria. Collection method: clinical testing. Allele origin: germline.
Comment: NM_001089.3(ABCA3):c.838C>T (p.Arg280Cys) is a missense variant that results in the substitution of arginine with cysteine. This variant has been recurrently observed in individuals with ABCA3-related disorders (PMID: 25712598; PMID: 24115460). Functional evidence supports an impact on the gene or gene product (PMID: 25712598; PMID: 27670912; PMID: 17517255; PMID: 21214890). Also, this variant is rare in population databases. Computational evidence supports a deleterious effect. Based on the currently available evidence, this variant is classified as likely pathogenic.

Labcorp Genetics (formerly Invitae), Labcorp
Classification: Uncertain significance. Last evaluated: 2025-06-10. Review status: criteria provided, single submitter. Criteria: Invitae Variant Classification Sherloc (09022015). Collection method: clinical testing. Allele origin: germline.
Comment: This sequence change replaces arginine, which is basic and polar, with cysteine, which is neutral and slightly polar, at codon 280 of the ABCA3 protein (p.Arg280Cys). The frequency data for this variant in the population databases is considered unreliable, as metrics indicate poor data quality at this position in the gnomAD database. This missense change has been observed in individual(s) with pulmonary surfactant metabolism dysfunction (PMID: 17517255, 24115460, 24871971, 32238781, 35078193). ClinVar contains an entry for this variant (Variation ID: 318566). Invitae Evidence Modeling of protein sequence and biophysical properties (such as structural, functional, and spatial information, amino acid conservation, physicochemical variation, residue mobility, and thermodynamic stability) indicates that this missense variant is expected to disrupt ABCA3 protein function with a positive predictive value of 80%. Experimental studies have shown that this missense change affects ABCA3 function (PMID: 21214890). In summary, the available evidence is currently insufficient to determine the role of this variant in disease. Therefore, it has been classified as a Variant of Uncertain Significance.

Blueprint Genetics
Classification: Likely pathogenic for ABCA3-related disorders. Last evaluated: 2024-11-19. Review status: criteria provided, single submitter. Criteria: ACMG Guidelines, 2015. Collection method: clinical testing. Allele origin: germline. Affected: yes. Observed: 5 variant alleles.

Department of Pathology and Laboratory Medicine, Sinai Health System
Classification: Likely pathogenic for Interstitial lung disease due to ABCA3 deficiency. Last evaluated: 2023-10-18. Review status: criteria provided, single submitter. Criteria: ACMG Guidelines, 2015. Collection method: research. Allele origin: germline.

Women's Health and Genetics/Laboratory Corporation of America, LabCorp
Classification: Uncertain significance. Last evaluated: 2023-02-15. Review status: criteria provided, single submitter. Criteria: LabCorp Variant Classification Summary - May 2015. Collection method: clinical testing. Allele origin: germline.
Comment: Variant summary: ABCA3 c.838C>T (p.Arg280Cys) results in a non-conservative amino acid change in the encoded protein sequence. Five of five in-silico tools predict a damaging effect of the variant on protein function. The variant allele was found at a frequency of 0.00017 in 250570 control chromosomes. This frequency is not significantly higher than estimated for a pathogenic variant in ABCA3 causing Pulmonary surfactant metabolism dysfunction (0.00017 vs 0.0011), allowing no conclusion about variant significance. c.838C>T has been reported in the literature in individuals affected with Pulmonary surfactant metabolism dysfunction (Somaschini_2007, Turcu_2013, Jackson_2015). These reports do not provide unequivocal conclusions about association of the variant with Pulmonary surfactant metabolism dysfunction. Co-occurrences with a pathogenic variant has been reported (ABCA3 c.4765C>T, p.Q1589X), providing supporting evidence for a benign role. At least one publication reports experimental evidence evaluating an impact on protein function. The most pronounced variant effect results in partial disruption of normal activity. Six clinical diagnostic laboratories have submitted clinical-significance assessments for this variant to ClinVar after 2014 without evidence for independent evaluation. Multiple laboratories reported the variant with conflicting assessments (Pathogenic/likely pathogenic, n=3, VUS n=3). Based on the evidence outlined above, the variant was classified as uncertain significance.

Johns Hopkins Genomics, Johns Hopkins University
Classification: Pathogenic for Interstitial lung disease due to ABCA3 deficiency. Last evaluated: 2019-09-06. Review status: criteria provided, single submitter. Criteria: ACMG Guidelines, 2015. Collection method: clinical testing. Allele origin: germline.
Comment: This ABCA3 variant (rs201299260) is rare (<0.1%) in a large population dataset (gnomAD: 45/281924 total alleles; 0.016%; no homozygotes). Two submitters in ClinVar classify c.838C>T as a variant of uncertain clinical significance. This variant has been reported in numerous patients with respiratory distress. A functional study has demonstrated that this variant affects normal ABCA3 protein trafficking and folding. This variant is considered pathogenic.

Athena Diagnostics
Classification: Likely pathogenic. Last evaluated: 2019-08-21. Review status: criteria provided, single submitter. Criteria: Athena Diagnostics Criteria. Collection method: clinical testing. Allele origin: unknown.
Comment: This variant has been identified in multiple individuals with clinical features associated with this gene (PMID: 25712598, 24115460, 17517255, 22337229). Assessment of experimental evidence suggests this variant results in abnormal protein function (PMID: 21214890). The frequency of this variant in the general population is consistent with pathogenicity.This observation is not an independent occurrence and has been identified in the same individual by RCIGM, the other laboratory participating in the GEMINI study.